The following is an entry in ClinVar:

NM_002454.3(MTRR):c.1345C>T (p.Gln449Ter)

Gene: MTRR (5-methyltetrahydrofolate-homocysteine methyltransferase reductase; plus strand). Cytogenetic location: 5p15.31.
Variant type: single nucleotide variant.
Coding change: c.1345C>T on transcript NM_002454.3 (MANE Select); coding-DNA position 1345, C replaced by T.
Protein change: p.Gln449Ter; replaces glutamine 449 with a stop codon.
Molecular consequence: nonsense. On other transcripts: non-coding transcript variant (14).
Genome position (GRCh38, 1-based): chr5:7,891,389, C>T. VCF-style: chr5-7891389-C-T. GRCh37 (hg19) VCF-style: chr5-7891502-C-T.
Other names: c.1345C>T, p.Gln449Ter (NM_001364440.2, NM_001364441.2, NM_001364442.2 and 1 more transcripts); short protein forms Q449*.
Identifiers: ClinVar variation 4815053 (VCV004815053.1).

ClinVar aggregate classification (germline): Likely pathogenic (1 of 4 stars; one submission).

Conditions:
Methylcobalamin deficiency type cblE (HMAE). Also called: HOMOCYSTINURIA-MEGALOBLASTIC ANEMIA, cblE TYPE; HOMOCYSTINURIA-MEGALOBLASTIC ANEMIA, cblE COMPLEMENTATION TYPE; VITAMIN B12-RESPONSIVE HOMOCYSTINURIA, cblE TYPE. Identifiers: Orphanet 2169, Orphanet 622, MedGen C1856057, MONDO:0009354, OMIM 236270.

Submission:

Natera, Inc.
Classification: Likely pathogenic for CblE complementation type homocystinuria-megaloblastic anemia due to defect in cobalamin metabolism. Last evaluated: 2025-06-23. Review status: criteria provided, single submitter. Criteria: Natera Variant Classification Schema (03/2026). Collection method: clinical testing. Allele origin: germline.
Comment: The c.1345C>T variant in MTRR is a nonsense variant predicted to introduce a stop codon at amino acid 449. This variant is expected to result in nonsense mediated decay, truncation, or a dysfunctional protein product. This variant is rare in the general population with a frequency below the threshold expected for the associated phenotype(s). Given the available evidence, this variant is classified as Likely Pathogenic.